The following is an entry in ClinVar:

ClinVar aggregate classification (germline): Uncertain significance. Review status: criteria provided, multiple submitters, no conflicts (2 of 4 stars). 4 submissions from 4 submitters: Uncertain significance (4). Last evaluated 2025-12-01.

Conditions:
Isolated focal cortical dysplasia type II (FCORD2). Also called: Focal cortical dysplasia type II; CORTICAL DYSPLASIA OF TAYLOR. Identifiers: Orphanet 268994, MedGen C1846385, MONDO:0011818, OMIM 607341, HP:0032051.
Hereditary cancer-predisposing syndrome. Also called: Neoplastic Syndromes, Hereditary; Tumor predisposition; Hereditary neoplastic syndrome; Hereditary Cancer Syndrome. Identifiers: Orphanet 140162, MedGen C0027672, MeSH D009386, MONDO:0015356.
Tuberous sclerosis 1 (TSC1). Identifiers: Orphanet 805, MedGen C1854465, MONDO:0008612, OMIM 191100.

Allele frequency attached by ClinVar (database versions not stated): TOPMed below 0.00001.
gnomAD v4.1: 5 of 1,614,104 alleles (0.00031%); highest among the groups gnomAD compares: Non-Finnish European, 0.00034%; no homozygotes.

Submissions (4):

CeGaT Center for Human Genetics Tuebingen
Classification: Uncertain significance. Last evaluated: 2025-12-01. Review status: criteria provided, single submitter. Criteria: CeGaT Center For Human Genetics Tuebingen Variant Classification Criteria Version 2. Collection method: clinical testing. Allele origin: germline. Affected: yes. Observed: 1 variant allele.
Comment: TSC1: PP2

Labcorp Genetics (formerly Invitae), Labcorp
Classification: Uncertain significance for Tuberous sclerosis 1. Last evaluated: 2024-10-02. Review status: criteria provided, single submitter. Criteria: Invitae Variant Classification Sherloc (09022015). Collection method: clinical testing. Allele origin: germline.
Comment: This sequence change replaces glycine, which is neutral and non-polar, with serine, which is neutral and polar, at codon 159 of the TSC1 protein (p.Gly159Ser). This variant is not present in population databases (gnomAD no frequency). This variant has not been reported in the literature in individuals affected with TSC1-related conditions. ClinVar contains an entry for this variant (Variation ID: 934992). Invitae Evidence Modeling of protein sequence and biophysical properties (such as structural, functional, and spatial information, amino acid conservation, physicochemical variation, residue mobility, and thermodynamic stability) indicates that this missense variant is not expected to disrupt TSC1 protein function with a negative predictive value of 95%. In summary, the available evidence is currently insufficient to determine the role of this variant in disease. Therefore, it has been classified as a Variant of Uncertain Significance.

Ambry Genetics
Classification: Uncertain significance for Hereditary cancer-predisposing syndrome. Last evaluated: 2024-03-09. Review status: criteria provided, single submitter. Criteria: Ambry Variant Classification Scheme 2023. Collection method: clinical testing. Allele origin: germline.
Comment: The p.G159S variant (also known as c.475G>A), located in coding exon 4 of the TSC1 gene, results from a G to A substitution at nucleotide position 475. The glycine at codon 159 is replaced by serine, an amino acid with similar properties. This amino acid position is conserved. In addition, this alteration is predicted to be deleterious by in silico analysis. Based on the available evidence, the clinical significance of this alteration remains unclear.

Baylor Genetics
Classification: Uncertain significance for Isolated focal cortical dysplasia type II. Last evaluated: 2023-05-17. Review status: criteria provided, single submitter. Criteria: ACMG Guidelines, 2015. Collection method: clinical testing. Allele origin: unknown.

NM_000368.5(TSC1):c.475G>A (p.Gly159Ser)

Gene: TSC1 (TSC complex subunit 1; minus strand). Cytogenetic location: 9q34.13.
Variant type: single nucleotide variant.
Coding change: c.475G>A on transcript NM_000368.5 (MANE Select); coding-DNA position 475, G replaced by A.
Protein change: p.Gly159Ser; replaces glycine 159 with serine.
Molecular consequence: missense variant.
Genome position (GRCh38, 1-based): chr9:132,923,381, C>T on the plus strand (G>A on the coding strand, the complement: TSC1 is on the minus strand). VCF-style: chr9-132923381-C-T. GRCh37 (hg19) VCF-style: chr9-135798768-C-T.
Other names: c.475G>A, p.Gly159Ser (NM_001162426.2); c.322G>A, p.Gly108Ser (NM_001162427.2); c.112G>A, p.Gly38Ser (NM_001362177.2); short protein forms G108S, G38S, G159S.
Identifiers: ClinVar variation 934992 (VCV000934992.14), dbSNP rs1846672854, ClinGen allele CA375373243.
Genomic context (GRCh38, chr9:132,923,381, plus strand): 5'-CCAACAGGTATATGAGGAGATCTGTACCTGGTTTCTTCAGGCACCATGATGACAGACGGC[C>T]AAAAATGTCAAAGAAATCAAGAAGATGCTGTTTCCCAGACTGTGGAATCATTGGTAGCAT-3'
Protein context (NP_000359.1, residues 149-169): QHLLDFFDIF[Gly159Ser]RLSSWCLKKP